The following is an entry in ClinVar:

NM_015335.5(MED13L):c.2524C>T (p.Arg842Ter)

Gene: MED13L (mediator complex subunit 13L; minus strand). Cytogenetic location: 12q24.21.
Variant type: single nucleotide variant.
Coding change: c.2524C>T on transcript NM_015335.5 (MANE Select); coding-DNA position 2524, C replaced by T.
Protein change: p.Arg842Ter; replaces arginine 842 with a stop codon.
Molecular consequence: nonsense.
Genome position (GRCh38, 1-based): chr12:116,003,048, G>A on the plus strand (C>T on the coding strand, the complement: MED13L is on the minus strand). VCF-style: chr12-116003048-G-A. GRCh37 (hg19) VCF-style: chr12-116440853-G-A.
Other names: short protein forms R842*.
Identifiers: ClinVar variation 418865 (VCV000418865.4), dbSNP rs1064793483, ClinGen allele CA16619445.

ClinVar aggregate classification (germline): Pathogenic (1 of 4 stars; one submission).

Submission:

GeneDx
Classification: Pathogenic. Last evaluated: 2023-08-27. Review status: criteria provided, single submitter. Criteria: GeneDx Variant Classification Process June 2021. Collection method: clinical testing. Allele origin: germline. Affected: yes.
Comment: Nonsense variant predicted to result in protein truncation or nonsense mediated decay in a gene for which loss of function is a known mechanism of disease; Not observed at significant frequency in large population cohorts (gnomAD); This variant is associated with the following publications: (PMID: 27500536, 33726816, 27620904)